The following is an entry in ClinVar:

ClinVar aggregate classification (germline): Likely benign. Review status: criteria provided, multiple submitters, no conflicts (2 of 4 stars). 3 submissions from 3 submitters: Likely benign (3). Last evaluated 2025-04-02.

Conditions:
Tatton-Brown-Rahman overgrowth syndrome. Also called: Tatton-Brown-Rahman syndrome; Tall stature-intellectual disability-facial dysmorphism syndrome. Identifiers: Orphanet 404443, MedGen C4014545, MONDO:0014382, OMIM 615879.
DNMT3A-related disorder. Also called: DNMT3A-related condition; DNMT3A-related disorders.
Inborn genetic diseases. Identifiers: MedGen C0950123, MeSH D030342.

gnomAD v4.1: 3 of 1,614,008 alleles (0.00019%); highest among the groups gnomAD compares: Admixed American, 0.0033%; no homozygotes.

Submissions (3):

Ambry Genetics
Classification: Likely benign for Inborn genetic diseases. Last evaluated: 2025-04-02. Review status: criteria provided, single submitter. Criteria: Ambry Variant Classification Scheme 2023. Collection method: clinical testing. Allele origin: germline.

PreventionGenetics, part of Exact Sciences
Classification: Likely benign for DNMT3A-related condition. Last evaluated: 2024-10-25. Review status: criteria provided, single submitter. Criteria: ACMG Guidelines, 2015. Collection method: clinical testing. Allele origin: germline.
Comment: This variant is classified as likely benign based on ACMG/AMP sequence variant interpretation guidelines (Richards et al. 2015 PMID: 25741868, with internal and published modifications).

Labcorp Genetics (formerly Invitae), Labcorp
Classification: Likely benign for Tatton-Brown-Rahman overgrowth syndrome. Last evaluated: 2024-07-01. Review status: criteria provided, single submitter. Criteria: Invitae Variant Classification Sherloc (09022015). Collection method: clinical testing. Allele origin: germline.

NM_022552.5(DNMT3A):c.1845G>A (p.Gln615=)

Gene: DNMT3A (DNA methyltransferase 3 alpha; minus strand). Cytogenetic location: 2p23.3.
Variant type: single nucleotide variant.
Coding change: c.1845G>A on transcript NM_022552.5 (MANE Select); coding-DNA position 1845, G replaced by A.
Protein change: p.Gln615=; no amino-acid change (glutamine 615 retained).
Molecular consequence: synonymous variant. On other transcripts: non-coding transcript variant (1).
Genome position (GRCh38, 1-based): chr2:25,244,161, C>T on the plus strand (G>A on the coding strand, the complement: DNMT3A is on the minus strand). VCF-style: chr2-25244161-C-T. GRCh37 (hg19) VCF-style: chr2-25467030-C-T.
Other names: c.1389G>A, p.Gln463= (NM_001320893.1); c.1176G>A, p.Gln392= (NM_001375819.1); c.1278G>A, p.Gln426= (NM_153759.3); c.1845G>A, p.Gln615= (NM_175629.2); c.1845G>A (NM_022552.3).
Identifiers: ClinVar variation 3710975 (VCV003710975.4).
Genomic context (GRCh38, chr2:25,244,161, plus strand): 5'-CAACCAAGGCTCAGCCAAGGGAGCTCGAGACCGCGCCCCAGGCCCAGCACTCACAAATTC[C>T]TGGTCGTGGTTATTAGCGAAGAACATCTGGAGCCGGGAGGGCCAGTCCTCTCGCCGCCGC-3'
Protein context (NP_072046.2, residues 605-625): LQMFFANNHD[Gln615=]EFDPPKVYPP